The following is an entry in ClinVar:

ClinVar aggregate classification (germline): Conflicting classifications of pathogenicity. Review status: criteria provided, conflicting classifications (1 of 4 stars). 2 submissions from 2 submitters: Uncertain significance (1); Benign (1). Last evaluated 2019-08-12.

Conditions:
Pyridoxine-dependent epilepsy (EPEO4). Also called: Pyridoxine-Dependent Seizures; Pyridoxine-Dependent Epilepsy - ALDH7A1; PYRIDOXINE DEPENDENCY WITH SEIZURES; EPILEPSY, EARLY-ONSET, 4, VITAMIN B6-DEPENDENT. Identifiers: Orphanet 3006, MedGen C1849508, MONDO:0009945, OMIM 266100. Disease mechanism: loss of function.

Submissions (2):

GeneDx
Classification: Benign. Last evaluated: 2019-08-12. Review status: criteria provided, single submitter. Criteria: GeneDx Variant Classification Process June 2021. Collection method: clinical testing. Allele origin: germline. Affected: yes.

Baylor Genetics
Classification: Uncertain significance for Pyridoxine-dependent epilepsy. Last evaluated: 2018-01-29. Review status: criteria provided, single submitter. Criteria: ACMG Guidelines, 2015. Collection method: clinical testing. Allele origin: unknown. Affected: yes.
Comment: This variant was determined to be of uncertain significance according to ACMG Guidelines, 2015 [PMID:25741868].

NM_001182.5(ALDH7A1):c.246+7GT[22]

Gene: ALDH7A1 (aldehyde dehydrogenase 7 family member A1; minus strand). Cytogenetic location: 5q23.2.
Variant type: Microsatellite.
Coding change: c.246+7GT[22] on transcript NM_001182.5 (MANE Select); 22 copies in a row of the 2-base unit GT starting at c.246+7; the reference has 18 copies in a row; four copies, 8 bases duplicated.
Molecular consequence: intron variant.
Genome position (GRCh38, 1-based): chr5:126,593,309-126,593,316, ACACACAC duplicated on the plus strand (GTGTGTGT on the coding strand, the reverse complement: ALDH7A1 is on the minus strand); duplicating any 8 consecutive bases within chr5:126,593,309-126,593,344 gives the same sequence; the position shown is the placement nearest the transcript's 3' end. VCF-style (leftmost placement, unchanged base first): chr5-126593308-A-AACACACAC. GRCh37 (hg19) VCF-style: chr5-125929000-A-AACACACAC.
Other names: c.246+7GT[22] (NM_001202404.2); c.162+7GT[22] (NM_001201377.2).
Identifiers: ClinVar variation 1033774 (VCV001033774.4), dbSNP rs142510783, ClinGen allele CA446285721.
Genomic context (GRCh38, chr5:126,593,308, plus strand): 5'-CTAACTGGCTTCTGCCTCTAAAGAAAGCCTGCACAAACTCCTTGTGTATAATTTGAATTA[A>AACACACAC]ACACACACACACACACACACACACACACACACACACTCTTACCTGTCGGACTCTTGCTAT-3'